The following is an entry in ClinVar:

NM_001127198.5(TMC6):c.1111C>T (p.Arg371Trp)

Gene: TMC6 (transmembrane channel like 6; minus strand). Cytogenetic location: 17q25.3.
Variant type: single nucleotide variant.
Coding change: c.1111C>T on transcript NM_001127198.5 (MANE Select); coding-DNA position 1111, C replaced by T.
Protein change: p.Arg371Trp; replaces arginine 371 with tryptophan.
Molecular consequence: missense variant.
Genome position (GRCh38, 1-based): chr17:78,122,721, G>A on the plus strand (C>T on the coding strand, the complement: TMC6 is on the minus strand). VCF-style: chr17-78122721-G-A. GRCh37 (hg19) VCF-style: chr17-76118802-G-A.
Other names: c.1111C>T (NM_007267.6); c.1111C>T, p.Arg371Trp (NM_001321185.1, NM_001374593.1, NM_001374594.1 and 4 more transcripts); short protein forms R371W.
Identifiers: ClinVar variation 834856 (VCV000834856.8), dbSNP rs762521552, ClinGen allele CA8795868.

ClinVar aggregate classification (germline): Uncertain significance. Review status: criteria provided, multiple submitters, no conflicts (2 of 4 stars). 2 submissions from 2 submitters: Uncertain significance (2). Last evaluated 2025-08-05.

Conditions:
Epidermodysplasia verruciformis. Identifiers: Orphanet 302, MedGen C0014522, MONDO:0009176.
Inborn genetic diseases. Identifiers: MedGen C0950123, MeSH D030342.

Allele frequency attached by ClinVar (database versions not stated): ExAC 0.00002; TOPMed 0.00002.

Submissions (2):

Ambry Genetics
Classification: Uncertain significance for Inborn genetic diseases. Last evaluated: 2025-08-05. Review status: criteria provided, single submitter. Criteria: Ambry Variant Classification Scheme 2023. Collection method: clinical testing. Allele origin: germline.

Labcorp Genetics (formerly Invitae), Labcorp
Classification: Uncertain significance for Epidermodysplasia verruciformis. Last evaluated: 2022-02-27. Review status: criteria provided, single submitter. Criteria: Invitae Variant Classification Sherloc (09022015). Collection method: clinical testing. Allele origin: germline.
Comment: This sequence change replaces arginine, which is basic and polar, with tryptophan, which is neutral and slightly polar, at codon 371 of the TMC6 protein (p.Arg371Trp). The frequency data for this variant in the population databases is considered unreliable, as metrics indicate poor data quality at this position in the gnomAD database. This variant has not been reported in the literature in individuals affected with TMC6-related conditions. ClinVar contains an entry for this variant (Variation ID: 834856). Algorithms developed to predict the effect of missense changes on protein structure and function are either unavailable or do not agree on the potential impact of this missense change (SIFT: "Not Available"; PolyPhen-2: "Probably Damaging"; Align-GVGD: "Not Available"). In summary, the available evidence is currently insufficient to determine the role of this variant in disease. Therefore, it has been classified as a Variant of Uncertain Significance.